The following is an entry in ClinVar:

ClinVar aggregate classification (germline): Likely pathogenic. Review status: criteria provided, multiple submitters, no conflicts (2 of 4 stars). 2 submissions from 2 submitters: Likely pathogenic (2). Last evaluated 2026-06-15.

Conditions:
Hermansky-Pudlak syndrome 3 (HPS3). Identifiers: Orphanet 231512, Orphanet 79430, MedGen C3888001, MONDO:0013555, OMIM 614072.

Submissions (2):

Myriad Genetics, Inc.
Classification: Likely pathogenic for Hermansky-Pudlak syndrome 3. Last evaluated: 2026-06-15. Review status: criteria provided, single submitter. Criteria: Myriad Autosomal Dominant, Autosomal Recessive and X-Linked Classification Criteria (2023). Collection method: clinical testing. Allele origin: unknown.
Comment: NM_032383.3(HPS3):c.1164-1G>A is a variant in a canonical splice site classified as likely pathogenic in the context of Hermansky-Pudlak syndrome, HPS3-related. c.1164-1G>A has not been observed in cases with relevant disease. Relevant functional assessments of this variant are not available in the literature. c.1164-1G>A has not been observed in referenced population frequency databases. In summary, NM_032383.3(HPS3):c.1164-1G>A is a variant in a canonical splice site in a gene where loss of function is a known mechanism of disease and is predicted to disrupt protein function. Please note: this variant was assessed in the context of healthy population screening.

Labcorp Genetics (formerly Invitae), Labcorp
Classification: Likely pathogenic. Last evaluated: 2022-10-17. Review status: criteria provided, single submitter. Criteria: Invitae Variant Classification Sherloc (09022015). Collection method: clinical testing. Allele origin: germline.
Comment: In summary, the currently available evidence indicates that the variant is pathogenic, but additional data are needed to prove that conclusively. Therefore, this variant has been classified as Likely Pathogenic. Algorithms developed to predict the effect of sequence changes on RNA splicing suggest that this variant may disrupt the consensus splice site. This variant has not been reported in the literature in individuals affected with HPS3-related conditions. This variant is not present in population databases (gnomAD no frequency). This sequence change affects an acceptor splice site in intron 5 of the HPS3 gene. It is expected to disrupt RNA splicing. Variants that disrupt the donor or acceptor splice site typically lead to a loss of protein function (PMID: 16199547), and loss-of-function variants in HPS3 are known to be pathogenic (PMID: 11590544).

Literature cited by the submitters: PubMed 16199547 (cited by Labcorp Genetics (formerly Invitae), Labcorp); PubMed 11590544 (cited by Labcorp Genetics (formerly Invitae), Labcorp).

NM_032383.5(HPS3):c.1164-1G>A

Gene: HPS3 (HPS3 biogenesis of lysosomal organelles complex 2 subunit 1; plus strand). Cytogenetic location: 3q24.
Variant type: single nucleotide variant.
Coding change: c.1164-1G>A on transcript NM_032383.5 (MANE Select); the canonical splice acceptor site of the intron before coding-DNA position 1164, G replaced by A.
Molecular consequence: splice acceptor variant.
Genome position (GRCh38, 1-based): chr3:149,150,598, G>A. VCF-style: chr3-149150598-G-A. GRCh37 (hg19) VCF-style: chr3-148868385-G-A.
Other names: c.669-1G>A (NM_001308258.2).
Identifiers: ClinVar variation 2034653 (VCV002034653.5), dbSNP rs2473092780, ClinGen allele CA354916997.